The following is an entry in ClinVar:

NM_012463.4(ATP6V0A2):c.432+12C>T

Gene: ATP6V0A2 (ATPase H+ transporting V0 subunit a2; plus strand). Cytogenetic location: 12q24.31.
Variant type: single nucleotide variant.
Coding change: c.432+12C>T on transcript NM_012463.4 (MANE Select); 12 bases into the intron after coding-DNA position 432, C replaced by T.
Molecular consequence: intron variant.
Genome position (GRCh38, 1-based): chr12:123,724,803, C>T. VCF-style: chr12-123724803-C-T. GRCh37 (hg19) VCF-style: chr12-124209350-C-T.
Identifiers: ClinVar variation 681546 (VCV000681546.1), dbSNP rs535259667, ClinGen allele CA6861605.
Genomic context (GRCh38, chr12:123,724,803, plus strand): 5'-CACTCACATGCTGAGAGTGACAAAGACCTTTGTGAAACGCAATGTTGAGGTACTGAACAG[C>T]TCGTGAGGAAATACAGCTGTTTTTATAAACAGCTTTTTATAAAAATCTCATTCCCATAGG-3'

ClinVar aggregate classification (germline): Likely benign (1 of 4 stars; one submission).

Allele frequency attached by ClinVar (database versions not stated): gnomAD 0.00001 and 0.00004; ExAC 0.00002; gnomAD exomes 0.00002; 1000 Genomes Project 0.00080; 1000 Genomes Project 30x 0.00094.

Submission:

GeneDx
Classification: Likely benign. Last evaluated: 2018-04-04. Review status: criteria provided, single submitter. Criteria: GeneDx Variant Classification (06012015). Collection method: clinical testing. Allele origin: germline. Affected: yes.
Comment: This variant is considered likely benign or benign based on one or more of the following criteria: it is a conservative change, it occurs at a poorly conserved position in the protein, it is predicted to be benign by multiple in silico algorithms, and/or has population frequency not consistent with disease.